The following is an entry in ClinVar:

ClinVar aggregate classification (germline): Uncertain significance (1 of 4 stars; one submission).

Conditions:
Hereditary cancer-predisposing syndrome. Also called: Hereditary Cancer Syndrome; Tumor predisposition; Hereditary neoplastic syndrome; Neoplastic Syndromes, Hereditary. Identifiers: Orphanet 140162, MedGen C0027672, MeSH D009386, MONDO:0015356.

Submission:

Ambry Genetics
Classification: Uncertain significance for Hereditary cancer-predisposing syndrome. Last evaluated: 2024-03-19. Review status: criteria provided, single submitter. Criteria: Ambry Variant Classification Scheme 2023. Collection method: clinical testing. Allele origin: germline.
Comment: The p.D2005H variant (also known as c.6013G>C), located in coding exon 10 of the BRCA2 gene, results from a G to C substitution at nucleotide position 6013. The aspartic acid at codon 2005 is replaced by histidine, an amino acid with similar properties. This amino acid position is conserved. In addition, the in silico prediction for this alteration is inconclusive. Based on the available evidence, the clinical significance of this alteration remains unclear.

NM_000059.4(BRCA2):c.6013G>C (p.Asp2005His)

Gene: BRCA2 (BRCA2 DNA repair associated; plus strand). Cytogenetic location: 13q13.1.
Variant type: single nucleotide variant.
Coding change: c.6013G>C on transcript NM_000059.4 (MANE Select); coding-DNA position 6013, G replaced by C.
Protein change: p.Asp2005His; replaces aspartic acid 2005 with histidine.
Molecular consequence: missense variant. On other transcripts: non-coding transcript variant (1), intron variant (2).
Genome position (GRCh38, 1-based): chr13:32,340,368, G>C. VCF-style: chr13-32340368-G-C. GRCh37 (hg19) VCF-style: chr13-32914505-G-C.
Other names: c.6013G>C, p.Asp2005His (NM_001406719.1, NM_001406720.1); c.1910-4190G>C (NM_001406721.1); c.425-4190G>C (NM_001406722.1); short protein forms D2005H.
Identifiers: ClinVar variation 3261562 (VCV003261562.1).